The following is an entry in ClinVar:

NM_001368882.1(COL13A1):c.665G>A (p.Cys222Tyr)

Gene: COL13A1 (collagen type XIII alpha 1 chain; plus strand). Cytogenetic location: 10q22.1.
Variant type: single nucleotide variant.
Coding change: c.665G>A on transcript NM_001368882.1 (MANE Select); coding-DNA position 665, G replaced by A.
Protein change: p.Cys222Tyr; replaces cysteine 222 with tyrosine.
Molecular consequence: missense variant.
Genome position (GRCh38, 1-based): chr10:69,895,557, G>A. VCF-style: chr10-69895557-G-A. GRCh37 (hg19) VCF-style: chr10-71655313-G-A.
Other names: c.638G>A, p.Cys213Tyr (NM_001130103.2, NM_080800.4, NM_080801.4 and 1 more transcripts); c.665G>A, p.Cys222Tyr (NM_001320951.2, NM_001368884.1); c.629G>A, p.Cys210Tyr (NM_001368883.1, NM_001368885.1); c.65G>A, p.Cys22Tyr (NM_001368886.1); c.575G>A, p.Cys192Tyr (NM_001368895.1); c.524G>A, p.Cys175Tyr (NM_001368896.1, NM_001368898.1, NM_080798.4); c.551G>A, p.Cys184Tyr (NM_001368897.1, NM_080805.4); short protein forms C175Y, C192Y, C213Y, C222Y, C184Y, C210Y, C22Y.
Identifiers: ClinVar variation 1357717 (VCV001357717.8), dbSNP rs1408520251, ClinGen allele CA376932668.

ClinVar aggregate classification (germline): Uncertain significance (1 of 4 stars; one submission).

Allele frequency attached by ClinVar (database versions not stated): gnomAD exomes below 0.00001; TOPMed below 0.00001; gnomAD 0.00001.
gnomAD v4.1: 3 of 1,613,884 alleles (0.00019%); highest among the groups gnomAD compares: Non-Finnish European, 0.00025%; no homozygotes.

Submission:

Labcorp Genetics (formerly Invitae), Labcorp
Classification: Uncertain significance. Last evaluated: 2021-05-31. Review status: criteria provided, single submitter. Criteria: Invitae Variant Classification Sherloc (09022015). Collection method: clinical testing. Allele origin: germline.
Comment: In summary, the available evidence is currently insufficient to determine the role of this variant in disease. Therefore, it has been classified as a Variant of Uncertain Significance. Algorithms developed to predict the effect of missense changes on protein structure and function (SIFT, PolyPhen-2, Align-GVGD) all suggest that this variant is likely to be disruptive, but these predictions have not been confirmed by published functional studies and their clinical significance is uncertain. This variant has not been reported in the literature in individuals with COL13A1-related conditions. This variant is not present in population databases (ExAC no frequency). This sequence change replaces cysteine with tyrosine at codon 213 of the COL13A1 protein (p.Cys213Tyr). The cysteine residue is highly conserved and there is a large physicochemical difference between cysteine and tyrosine.